The following is an entry in ClinVar:

NM_183357.3(ADCY5):c.2714A>T (p.Asn905Ile)

Gene: ADCY5 (adenylate cyclase 5; minus strand). Cytogenetic location: 3q21.1.
Variant type: single nucleotide variant.
Coding change: c.2714A>T on transcript NM_183357.3 (MANE Select); coding-DNA position 2714, A replaced by T.
Protein change: p.Asn905Ile; replaces asparagine 905 with isoleucine.
Molecular consequence: missense variant.
Genome position (GRCh38, 1-based): chr3:123,303,065, T>A on the plus strand (A>T on the coding strand, the complement: ADCY5 is on the minus strand). VCF-style: chr3-123303065-T-A. GRCh37 (hg19) VCF-style: chr3-123021912-T-A.
Other names: c.1664A>T, p.Asn555Ile (NM_001199642.1); c.2714A>T, p.Asn905Ile (NM_001378259.1); short protein forms N555I, N905I.
Identifiers: ClinVar variation 3345297 (VCV003345297.1).
Genomic context (GRCh38, chr3:123,303,065, plus strand): 5'-AGGGCAAGGGACTCTTCAGCACTCCCTTCCAGCCCCTGTGCACCCAGTACCTCGGGGAAG[T>A]TGCAGTTGGGCCAGGGGCTGCCACAGAAGCCCTGCTCATCGCCCAGGCTGTAGTTGACGG-3'
Protein context (NP_899200.1, residues 895-915): GFCGSPWPNC[Asn905Ile]FPEYFTYSVL

ClinVar aggregate classification (germline): Uncertain significance (0 of 4 stars; one submission).

Conditions:
ADCY5-related disorder. Also called: ADCY5-related condition.

Submission:

PreventionGenetics, part of Exact Sciences
Classification: Uncertain significance for ADCY5-related condition. Last evaluated: 2024-07-18. Review status: no assertion criteria provided. Collection method: clinical testing. Allele origin: germline.
Comment: The ADCY5 c.2714A>T variant is predicted to result in the amino acid substitution p.Asn905Ile. To our knowledge, this variant has not been reported in the literature or in a large population database, indicating this variant is rare. At this time, the clinical significance of this variant is uncertain due to the absence of conclusive functional and genetic evidence.